The following is an entry in ClinVar:

NM_020699.4(GATAD2B):c.908G>A (p.Ser303Asn)

Gene: GATAD2B (GATA zinc finger domain containing 2B; minus strand). Cytogenetic location: 1q21.3.
Variant type: single nucleotide variant.
Coding change: c.908G>A on transcript NM_020699.4 (MANE Select); coding-DNA position 908, G replaced by A.
Protein change: p.Ser303Asn; replaces serine 303 with asparagine.
Molecular consequence: missense variant.
Genome position (GRCh38, 1-based): chr1:153,816,581, C>T on the plus strand (G>A on the coding strand, the complement: GATAD2B is on the minus strand). VCF-style: chr1-153816581-C-T. GRCh37 (hg19) VCF-style: chr1-153789057-C-T.
Other names: short protein forms S303N.
Identifiers: ClinVar variation 1337027 (VCV001337027.6), dbSNP rs746890210, ClinGen allele CA1120727.

ClinVar aggregate classification (germline): Conflicting classifications of pathogenicity. Review status: criteria provided, conflicting classifications (1 of 4 stars). 3 submissions from 3 submitters: Uncertain significance (2); Likely benign (1). Last evaluated 2025-11-03.

gnomAD v4.1: 6 of 1,607,140 alleles (0.00037%); highest among the groups gnomAD compares: Admixed American, 0.0033%; no homozygotes.

Submissions (3):

Labcorp Genetics (formerly Invitae), Labcorp
Classification: Uncertain significance. Last evaluated: 2025-11-03. Review status: criteria provided, single submitter. Criteria: Invitae Variant Classification Sherloc (09022015). Collection method: clinical testing. Allele origin: germline.
Comment: This sequence change replaces serine, which is neutral and polar, with asparagine, which is neutral and polar, at codon 303 of the GATAD2B protein (p.Ser303Asn). This variant is present in population databases (rs746890210, gnomAD 0.006%). This variant has not been reported in the literature in individuals affected with GATAD2B-related conditions. ClinVar contains an entry for this variant (Variation ID: 1337027). Invitae Evidence Modeling of protein sequence and biophysical properties (such as structural, functional, and spatial information, amino acid conservation, physicochemical variation, residue mobility, and thermodynamic stability) indicates that this missense variant is not expected to disrupt GATAD2B protein function with a negative predictive value of 80%. In summary, the available evidence is currently insufficient to determine the role of this variant in disease. Therefore, it has been classified as a Variant of Uncertain Significance.

Women's Health and Genetics/Laboratory Corporation of America, LabCorp
Classification: Uncertain significance. Last evaluated: 2024-06-03. Review status: criteria provided, single submitter. Criteria: LabCorp Variant Classification Summary - May 2015. Collection method: clinical testing. Allele origin: germline.
Comment: Variant summary: GATAD2B c.908G>A (p.Ser303Asn) results in a conservative amino acid change in the encoded protein sequence. Four of five in-silico tools predict a benign effect of the variant on protein function. The variant allele was found at a frequency of 8e-06 in 248766 control chromosomes. The available data on variant occurrences in the general population are insufficient to allow any conclusion about variant significance. To our knowledge, no occurrence of c.908G>A in individuals affected with Severe Intellectual Disability-Poor Language-Strabismus Face-Long Fingers Syndrome and no experimental evidence demonstrating its impact on protein function have been reported. ClinVar contains an entry for this variant (Variation ID: 1337027). Based on the evidence outlined above, the variant was classified as uncertain significance.

Genetic Services Laboratory, University of Chicago
Classification: Likely benign. Last evaluated: 2019-05-10. Review status: criteria provided, single submitter. Criteria: ACMG Guidelines, 2015. Collection method: clinical testing. Allele origin: germline. Affected: no.